The following is an entry in ClinVar:

NM_001845.6(COL4A1):c.3097C>T (p.Pro1033Ser)

Gene: COL4A1 (collagen type IV alpha 1 chain; minus strand). Cytogenetic location: 13q34.
Variant type: single nucleotide variant.
Coding change: c.3097C>T on transcript NM_001845.6 (MANE Select); coding-DNA position 3097, C replaced by T.
Protein change: p.Pro1033Ser; replaces proline 1033 with serine.
Molecular consequence: missense variant.
Genome position (GRCh38, 1-based): chr13:110,175,319, G>A on the plus strand (C>T on the coding strand, the complement: COL4A1 is on the minus strand). VCF-style: chr13-110175319-G-A. GRCh37 (hg19) VCF-style: chr13-110827666-G-A.
Other names: c.3097C>T (NM_001845.4); short protein forms P1033S.
Identifiers: ClinVar variation 501320 (VCV000501320.14), dbSNP rs373131870, ClinGen allele CA7047382.

ClinVar aggregate classification (germline): Uncertain significance. Review status: criteria provided, multiple submitters, no conflicts (2 of 4 stars). 5 submissions from 5 submitters: Uncertain significance (5). Last evaluated 2025-03-17.

Conditions:
Inborn genetic diseases. Identifiers: MedGen C0950123, MeSH D030342.
Microangiopathy and leukoencephalopathy, pontine, autosomal dominant. Also called: DEMENTIA, HEREDITARY MULTI-INFARCT, SWEDISH TYPE; Pontine autosomal dominant microangiopathy with leukoencephalopathy. Identifiers: Orphanet 477749, MedGen C5231411, MONDO:0032814, OMIM 618564.
Hemorrhage, intracerebral, susceptibility to (ICH). Also called: Stroke, hemorrhagic, susceptibility to. Identifiers: MedGen C3281105, MONDO:0100533, OMIM 614519.
Brain small vessel disease 1 with or without ocular anomalies (BSVD1). Also called: Brain small vessel disease with or without ocular anomalies; BRAIN SMALL VESSEL DISEASE WITH HEMORRHAGE; GOULD SYNDROME 1; PORENCEPHALY, TYPE 1, AUTOSOMAL DOMINANT. Identifiers: Orphanet 2940, Orphanet 36383, Orphanet 99810, MedGen C4755307, MONDO:0008289, OMIM 175780.
Autosomal dominant familial hematuria-retinal arteriolar tortuosity-contractures syndrome. Also called: Hereditary Angiopathy with Nephropathy, Aneurysms, and Muscle Cramps (HANAC) Syndrome; Angiopathy, hereditary, with nephropathy, aneurysms, and muscle cramps. Identifiers: Orphanet 73229, MedGen C2673195, MONDO:0012726, OMIM 611773.
Retinal arterial tortuosity. Also called: Retinal arteries, tortuosity of; RETINAL HEMORRHAGE WITH VASCULAR TORTUOSITY. Identifiers: Orphanet 75326, MedGen C0423401, MONDO:0008373, OMIM 180000, HP:0000631.

Allele frequency attached by ClinVar (database versions not stated): ExAC 0.00001; gnomAD 0.00002; gnomAD exomes 0.00002; TOPMed 0.00002; ESP Exome Variant Server 0.00015.
gnomAD v4.1: 42 of 1,614,044 alleles (0.0026%); highest among the groups gnomAD compares: Non-Finnish European, 0.0034%; no homozygotes.

Submissions (5):

Labcorp Genetics (formerly Invitae), Labcorp
Classification: Uncertain significance. Last evaluated: 2025-03-17. Review status: criteria provided, single submitter. Criteria: Invitae Variant Classification Sherloc (09022015). Collection method: clinical testing. Allele origin: germline.
Comment: This sequence change replaces proline, which is neutral and non-polar, with serine, which is neutral and polar, at codon 1033 of the COL4A1 protein (p.Pro1033Ser). This variant is present in population databases (rs373131870, gnomAD 0.007%). This variant has not been reported in the literature in individuals affected with COL4A1-related conditions. ClinVar contains an entry for this variant (Variation ID: 501320). Invitae Evidence Modeling of protein sequence and biophysical properties (such as structural, functional, and spatial information, amino acid conservation, physicochemical variation, residue mobility, and thermodynamic stability) indicates that this missense variant is not expected to disrupt COL4A1 protein function with a negative predictive value of 95%. In summary, the available evidence is currently insufficient to determine the role of this variant in disease. Therefore, it has been classified as a Variant of Uncertain Significance.

Fulgent Genetics
Classification: Uncertain significance for Brain small vessel disease 1 with or without ocular anomalies; Retinal arterial tortuosity; Autosomal dominant familial hematuria-retinal arteriolar tortuosity-contractures syndrome; Hemorrhage, intracerebral, susceptibility to; Microangiopathy and leukoencephalopathy, pontine, autosomal dominant. Last evaluated: 2024-05-28. Review status: criteria provided, single submitter. Criteria: ACMG Guidelines, 2015. Collection method: clinical testing. Allele origin: germline.

Department of Pathology and Laboratory Medicine, Sinai Health System
Classification: Uncertain significance for brain small vessel disease 1 with or without ocular anomalies. Last evaluated: 2021-07-30. Review status: criteria provided, single submitter. Criteria: ACMG Guidelines, 2015. Collection method: research. Allele origin: germline.

Ambry Genetics
Classification: Uncertain significance for Inborn genetic diseases. Last evaluated: 2021-01-26. Review status: criteria provided, single submitter. Criteria: Ambry Variant Classification Scheme 2023. Collection method: clinical testing. Allele origin: germline.

Eurofins Ntd Llc (ga)
Classification: Uncertain significance. Last evaluated: 2017-04-11. Review status: criteria provided, single submitter. Criteria: EGL Classification Definitions 2015. Collection method: clinical testing. Allele origin: germline. Observed: 1 variant allele, 1 heterozygote.